The following is an entry in ClinVar:

NM_001271.4(CHD2):c.1997A>G (p.Glu666Gly)

Gene: CHD2 (chromodomain helicase DNA binding protein 2; plus strand). Cytogenetic location: 15q26.1.
Variant type: single nucleotide variant.
Coding change: c.1997A>G on transcript NM_001271.4 (MANE Select); coding-DNA position 1997, A replaced by G.
Protein change: p.Glu666Gly; replaces glutamic acid 666 with glycine.
Molecular consequence: missense variant.
Genome position (GRCh38, 1-based): chr15:92,956,646, A>G. VCF-style: chr15-92956646-A-G. GRCh37 (hg19) VCF-style: chr15-93499876-A-G.
Other names: short protein forms E666G.
Identifiers: ClinVar variation 1784068 (VCV001784068.2), dbSNP rs2505488630, ClinGen allele CA393906680.

ClinVar aggregate classification (germline): Uncertain significance (1 of 4 stars; one submission).

Conditions:
Inborn genetic diseases. Identifiers: MedGen C0950123, MeSH D030342.

Submission:

Ambry Genetics
Classification: Uncertain significance for Inborn genetic diseases. Last evaluated: 2017-12-15. Review status: criteria provided, single submitter. Criteria: Ambry Variant Classification Scheme 2023. Collection method: clinical testing. Allele origin: germline.
Comment: The p.E666G variant (also known as c.1997A>G), located in coding exon 15 of the CHD2 gene, results from an A to G substitution at nucleotide position 1997. The glutamic acid at codon 666 is replaced by glycine, an amino acid with similar properties. This amino acid position is not well conserved in available vertebrate species, and Aspartic acid is the reference amino acid in other vertebrate species. In addition, the in silico prediction for this alteration is inconclusive. Since supporting evidence is limited at this time, the clinical significance of this alteration remains unclear.